The following is an entry in ClinVar:

ClinVar aggregate classification (germline): Uncertain significance. Review status: criteria provided, multiple submitters, no conflicts (2 of 4 stars). 6 submissions from 6 submitters: Uncertain significance (5). 1 of the submissions does not count toward it. Last evaluated 2025-09-10.

Conditions:
Hereditary cancer-predisposing syndrome. Also called: Neoplastic Syndromes, Hereditary; Hereditary Cancer Syndrome; Tumor predisposition; Hereditary neoplastic syndrome. Identifiers: Orphanet 140162, MedGen C0027672, MeSH D009386, MONDO:0015356.
Familial cancer of breast. Also called: Hereditary breast cancer; BREAST CANCER, FAMILIAL; hereditary breast carcinoma. Identifiers: Orphanet 227535, MedGen C0346153, MONDO:0016419, OMIM 114480. Disease mechanism: loss of function.
Ataxia-telangiectasia syndrome (AT). Also called: LOUIS-BAR SYNDROME; Cerebello-oculocutaneous telangiectasia; Immunodeficiency with ataxia telangiectasia; Ataxia-telangiectasia, complementation group D; AT, COMPLEMENTATION GROUP C; Ataxia-telangiectasia, complementation group E. Identifiers: Orphanet 100, MedGen C0004135, MONDO:0008840, OMIM 208900.

Allele frequency attached by ClinVar (database versions not stated): gnomAD exomes below 0.00001.
gnomAD v4.1: 1 of 1,613,764 alleles (0.000062%); highest among the groups gnomAD compares: Non-Finnish European, 0.000085%; no homozygotes.

Submissions (6):

Ambry Genetics
Classification: Uncertain significance for Hereditary cancer-predisposing syndrome. Last evaluated: 2025-09-10. Review status: criteria provided, single submitter. Criteria: Ambry Variant Classification Scheme 2023. Collection method: clinical testing. Allele origin: germline.
Comment: The p.A2354V variant (also known as c.7061C>T), located in coding exon 47 of the ATM gene, results from a C to T substitution at nucleotide position 7061. The alanine at codon 2354 is replaced by valine, an amino acid with similar properties. This amino acid position is not well conserved in available vertebrate species. In addition, this alteration is predicted to be tolerated by in silico analysis. Based on the available evidence, the clinical significance of this variant remains unclear.

Labcorp Genetics (formerly Invitae), Labcorp
Classification: Uncertain significance for Ataxia-telangiectasia syndrome. Last evaluated: 2024-05-06. Review status: criteria provided, single submitter. Criteria: Invitae Variant Classification Sherloc (09022015). Collection method: clinical testing. Allele origin: germline.
Comment: This sequence change replaces alanine, which is neutral and non-polar, with valine, which is neutral and non-polar, at codon 2354 of the ATM protein (p.Ala2354Val). This variant is not present in population databases (gnomAD no frequency). This missense change has been observed in individual(s) with breast cancer (PMID: 35264596). ClinVar contains an entry for this variant (Variation ID: 453657). An algorithm developed to predict the effect of missense changes on protein structure and function (PolyPhen-2) suggests that this variant is likely to be tolerated. In summary, the available evidence is currently insufficient to determine the role of this variant in disease. Therefore, it has been classified as a Variant of Uncertain Significance.

Fulgent Genetics
Classification: Uncertain significance for Familial cancer of breast; Ataxia-telangiectasia syndrome. Last evaluated: 2024-03-03. Review status: criteria provided, single submitter. Criteria: ACMG Guidelines, 2015. Collection method: clinical testing. Allele origin: germline.

Color Diagnostics, LLC DBA Color Health
Classification: Uncertain significance for Hereditary cancer-predisposing syndrome. Last evaluated: 2018-10-17. Review status: criteria provided, single submitter. Criteria: ACMG Guidelines, 2015. Collection method: clinical testing. Allele origin: germline.

Mendelics
Classification: Uncertain significance for Ataxia-telangiectasia syndrome. Last evaluated: 2018-07-02. Review status: criteria provided, single submitter. Criteria: Mendelics Assertion Criteria 2017. Collection method: clinical testing. Allele origin: unknown.

Natera, Inc.
Classification: Uncertain significance for Ataxia-telangiectasia. Last evaluated: 2020-01-24. Review status: no assertion criteria provided. Collection method: clinical testing. Allele origin: germline. Not counted in ClinVar's aggregate classification.

Literature cited by the submitters: PubMed 35264596 (cited by Labcorp Genetics (formerly Invitae), Labcorp).

NM_000051.4(ATM):c.7061C>T (p.Ala2354Val)

Genes: ATM (ATM serine/threonine kinase; plus strand), C11orf65 (chromosome 11 open reading frame 65; minus strand). Cytogenetic location: 11q22.3.
Variant type: single nucleotide variant.
Coding change: c.7061C>T on transcript NM_000051.4 (MANE Select); coding-DNA position 7061, C replaced by T.
Protein change: p.Ala2354Val; replaces alanine 2354 with valine.
Molecular consequence: missense variant. On other transcripts: intron variant (2).
Genome position (GRCh38, 1-based): chr11:108,327,730, C>T. VCF-style: chr11-108327730-C-T. GRCh37 (hg19) VCF-style: chr11-108198457-C-T.
Other names: c.7061C>T, p.Ala2354Val (NM_001351834.2); c.641-18659G>A (NM_001330368.2); c.*38+7490G>A (NM_001351110.2); short protein forms A2354V.
Identifiers: ClinVar variation 453657 (VCV000453657.19), dbSNP rs1555121079, ClinGen allele CA382559026.